The following is an entry in ClinVar:

ClinVar aggregate classification (germline): Uncertain significance (1 of 4 stars; one submission).

Conditions:
Hereditary cancer-predisposing syndrome. Also called: Neoplastic Syndromes, Hereditary; Tumor predisposition; Hereditary Cancer Syndrome; Hereditary neoplastic syndrome. Identifiers: Orphanet 140162, MedGen C0027672, MeSH D009386, MONDO:0015356.

Submission:

Ambry Genetics
Classification: Uncertain significance for Hereditary cancer-predisposing syndrome. Last evaluated: 2025-12-18. Review status: criteria provided, single submitter. Criteria: Ambry Variant Classification Scheme 2023. Collection method: clinical testing. Allele origin: germline.
Comment: The c.1369_1380del12 variant (also known as p.K457_A460del) is located in coding exon 5 of the BARD1 gene. This variant results from an in-frame AAAGACCATGCT deletion at nucleotide positions 1369 to 1380. This results in the in-frame deletion of 4 residues from codon 457 to 460. This amino acid region is well conserved in available vertebrate species. In addition, this variant is predicted to be deleterious by in silico analysis (Choi Y et al. PLoS ONE. 2012; 7(10):e46688). Based on the available evidence, the clinical significance of this variant remains unclear.

NM_000465.4(BARD1):c.1369_1380del (p.Lys457_Ala460del)

Gene: BARD1 (BRCA1 associated RING domain 1; minus strand). Cytogenetic location: 2q35.
Variant type: Deletion.
Coding change: c.1369_1380del on transcript NM_000465.4 (MANE Select); coding-DNA positions 1369 to 1380, 12 bases deleted (AAAGACCATGCT).
Protein change: p.Lys457_Ala460del.
Molecular consequence: non-coding transcript variant (on NR_104212.2). On other transcripts: intron variant (3).
Genome position (GRCh38, 1-based): chr2:214,769,247-214,769,258, AGCATGGTCTTT deleted on the plus strand (AAAGACCATGCT on the coding strand, the reverse complement: BARD1 is on the minus strand); deleting any 12 consecutive bases within chr2:214,769,247-214,769,259 gives the same sequence; the c. name uses the placement nearest the transcript's 3' end. VCF-style (leftmost placement, unchanged base first): chr2-214769246-CAGCATGGTCTTT-C. GRCh37 (hg19) VCF-style: chr2-215633970-CAGCATGGTCTTT-C.
Other names: c.1312_1323del, p.Lys438_Ala441del (NM_001282543.2); c.159-16703_159-16692del (NM_001282548.2); c.216-16703_216-16692del (NM_001282545.2); c.364+23039_364+23050del (NM_001282549.2).
Identifiers: ClinVar variation 4842578 (VCV004842578.1).